The following is an entry in ClinVar:

NM_001267550.2(TTN):c.34129G>T (p.Val11377Phe)

Gene: TTN (titin; minus strand). Cytogenetic location: 2q31.2.
Variant type: single nucleotide variant.
Coding change: c.34129G>T on transcript NM_001267550.2 (MANE Select); coding-DNA position 34129, G replaced by T.
Protein change: p.Val11377Phe; replaces valine 11377 with phenylalanine.
Molecular consequence: missense variant. On other transcripts: intron variant (3).
Genome position (GRCh38, 1-based): chr2:178,677,783, C>A on the plus strand (G>T on the coding strand, the complement: TTN is on the minus strand). VCF-style: chr2-178677783-C-A. GRCh37 (hg19) VCF-style: chr2-179542510-C-A.
Other names: p.V11060F:GTT>TTT; c.33178G>T, p.Val11060Phe (NM_001256850.1); c.30397G>T, p.Val10133Phe (NM_133378.4); c.13283-35466G>T (NM_003319.4); c.13859-35466G>T (NM_133437.4); c.13658-35466G>T (NM_133432.3); short protein forms V11060F, V11377F, V10133F.
Identifiers: ClinVar variation 202587 (VCV000202587.2), dbSNP rs745521516, ClinGen allele CA309677.

ClinVar aggregate classification (germline): Uncertain significance (1 of 4 stars; one submission).

Allele frequency attached by ClinVar (database versions not stated): gnomAD exomes 0.00001; ExAC 0.00002.
gnomAD v4.1: 15 of 1,612,704 alleles (0.00093%); highest among the groups gnomAD compares: South Asian, 0.015%; no homozygotes.

Submission:

GeneDx
Classification: Uncertain significance. Last evaluated: 2014-05-13. Review status: criteria provided, single submitter. Criteria: GeneDx Variant Classification (06012015). Collection method: clinical testing. Allele origin: germline. Affected: yes.
Comment: Missense variants in the TTN gene are considered 'unclassified' if they are not previously reported in the literature and do not have >1% frequency in the population to be considered a polymorphism. Research indicates that truncating mutations in the TTN gene are expected to account for approximately 25% of familial and 18% of sporadic idiopathic DCM; however, truncating variants in the TTN gene have been reported in approximately 3% of reported control alleles. There has been little investigation into non-truncating variants. (Herman D et al. Truncations of titin causing dilated cardiomyopathy. N Eng J Med 366:619-628, 2012) The variant is found in CARDIOMYOPATHY panel(s).